The following is an entry in ClinVar:

ClinVar aggregate classification (germline): Uncertain significance. Review status: criteria provided, multiple submitters, no conflicts (2 of 4 stars). 2 submissions from 2 submitters: Uncertain significance (2). Last evaluated 2025-04-30.

Allele frequency attached by ClinVar (database versions not stated): ExAC 0.00004; gnomAD 0.00011; TOPMed 0.00013; ESP Exome Variant Server 0.00015; 1000 Genomes Project 30x 0.00016; 1000 Genomes Project 0.00020.

Submissions (2):

Ambry Genetics
Classification: Uncertain significance. Last evaluated: 2025-04-30. Review status: criteria provided, single submitter. Criteria: Ambry Variant Classification Scheme 2023. Collection method: clinical testing. Allele origin: germline.

Labcorp Genetics (formerly Invitae), Labcorp
Classification: Uncertain significance. Last evaluated: 2022-10-07. Review status: criteria provided, single submitter. Criteria: Invitae Variant Classification Sherloc (09022015). Collection method: clinical testing. Allele origin: germline.
Comment: This sequence change replaces glutamine, which is neutral and polar, with leucine, which is neutral and non-polar, at codon 180 of the KRT25 protein (p.Gln180Leu). This variant is present in population databases (rs149543351, gnomAD 0.04%). This variant has not been reported in the literature in individuals affected with KRT25-related conditions. Advanced modeling of protein sequence and biophysical properties (such as structural, functional, and spatial information, amino acid conservation, physicochemical variation, residue mobility, and thermodynamic stability) performed at Invitae indicates that this missense variant is not expected to disrupt KRT25 protein function. In summary, the available evidence is currently insufficient to determine the role of this variant in disease. Therefore, it has been classified as a Variant of Uncertain Significance.

NM_181534.4(KRT25):c.539A>T (p.Gln180Leu)

Gene: KRT25 (keratin 25; minus strand). Cytogenetic location: 17q21.2.
Variant type: single nucleotide variant.
Coding change: c.539A>T on transcript NM_181534.4 (MANE Select); coding-DNA position 539, A replaced by T.
Protein change: p.Gln180Leu; replaces glutamine 180 with leucine.
Molecular consequence: missense variant.
Genome position (GRCh38, 1-based): chr17:40,753,990, T>A on the plus strand (A>T on the coding strand, the complement: KRT25 is on the minus strand). VCF-style: chr17-40753990-T-A. GRCh37 (hg19) VCF-style: chr17-38910242-T-A.
Other names: c.539A>T (NM_181534.3); short protein forms Q180L.
Identifiers: ClinVar variation 2184409 (VCV002184409.6), dbSNP rs149543351, ClinGen allele CA8546345.